The following is an entry in ClinVar:

ClinVar aggregate classification (germline): Pathogenic (1 of 4 stars; one submission).

Allele frequency attached by ClinVar (database versions not stated): gnomAD exomes below 0.00001.

Submission:

Labcorp Genetics (formerly Invitae), Labcorp
Classification: Pathogenic. Last evaluated: 2025-01-27. Review status: criteria provided, single submitter. Criteria: Invitae Variant Classification Sherloc (09022015). Collection method: clinical testing. Allele origin: germline.
Comment: This sequence change creates a premature translational stop signal (p.Leu624Phefs*24) in the PDE6C gene. It is expected to result in an absent or disrupted protein product. Loss-of-function variants in PDE6C are known to be pathogenic (PMID: 19887631, 23776498, 26103963, 30080950). This variant is present in population databases (no rsID available, gnomAD 0.0009%). This variant has not been reported in the literature in individuals affected with PDE6C-related conditions. ClinVar contains an entry for this variant (Variation ID: 1070811). For these reasons, this variant has been classified as Pathogenic.

Literature cited by the submitters: PubMed 19887631; PubMed 23776498; PubMed 26103963; PubMed 30080950.

NM_006204.4(PDE6C):c.1870del (p.Leu624fs)

Gene: PDE6C (phosphodiesterase 6C; plus strand). Cytogenetic location: 10q23.33.
Variant type: Deletion.
Coding change: c.1870del on transcript NM_006204.4 (MANE Select); coding-DNA position 1870, one base deleted (C; older notation c.1870delC).
Protein change: p.Leu624fs; shifts the reading frame from leucine 624.
Molecular consequence: frameshift variant.
Genome position (GRCh38, 1-based): chr10:93,645,982, C deleted. VCF-style (leftmost placement, unchanged base first): chr10-93645981-AC-A. GRCh37 (hg19) VCF-style: chr10-95405738-AC-A.
Other names: short protein forms L624fs.
Identifiers: ClinVar variation 1070811 (VCV001070811.7), dbSNP rs1564802738, ClinGen allele CA595282940.